The following is an entry in ClinVar:

ClinVar aggregate classification (germline): Uncertain significance. Review status: criteria provided, multiple submitters, no conflicts (2 of 4 stars). 2 submissions from 2 submitters: Uncertain significance (2). Last evaluated 2025-08-04.

Conditions:
Inborn genetic diseases. Identifiers: MedGen C0950123, MeSH D030342.

gnomAD v4.1: 5 of 1,614,240 alleles (0.00031%); highest among the groups gnomAD compares: Non-Finnish European, 0.00042%; no homozygotes.

Submissions (2):

Labcorp Genetics (formerly Invitae), Labcorp
Classification: Uncertain significance. Last evaluated: 2025-08-04. Review status: criteria provided, single submitter. Criteria: Invitae Variant Classification Sherloc (09022015). Collection method: clinical testing. Allele origin: germline.
Comment: This sequence change replaces histidine, which is basic and polar, with arginine, which is basic and polar, at codon 1107 of the LAMC2 protein (p.His1107Arg). This variant is present in population databases (rs777902042, gnomAD 0.0009%). This variant has not been reported in the literature in individuals affected with LAMC2-related conditions. ClinVar contains an entry for this variant (Variation ID: 3866370). Invitae Evidence Modeling of protein sequence and biophysical properties (such as structural, functional, and spatial information, amino acid conservation, physicochemical variation, residue mobility, and thermodynamic stability) indicates that this missense variant is not expected to disrupt LAMC2 protein function with a negative predictive value of 80%. In summary, the available evidence is currently insufficient to determine the role of this variant in disease. Therefore, it has been classified as a Variant of Uncertain Significance.

Ambry Genetics
Classification: Uncertain significance for Inborn genetic diseases. Last evaluated: 2025-03-01. Review status: criteria provided, single submitter. Criteria: Ambry Variant Classification Scheme 2023. Collection method: clinical testing. Allele origin: germline.

NM_005562.3(LAMC2):c.3320A>G (p.His1107Arg)

Gene: LAMC2 (laminin subunit gamma 2; plus strand). Cytogenetic location: 1q25.3.
Variant type: single nucleotide variant.
Coding change: c.3320A>G on transcript NM_005562.3 (MANE Select); coding-DNA position 3320, A replaced by G.
Protein change: p.His1107Arg; replaces histidine 1107 with arginine.
Molecular consequence: missense variant.
Genome position (GRCh38, 1-based): chr1:183,240,383, A>G. VCF-style: chr1-183240383-A-G. GRCh37 (hg19) VCF-style: chr1-183209518-A-G.
Other names: c.3320A>G, p.His1107Arg (NM_018891.3); short protein forms H1107R.
Identifiers: ClinVar variation 3866370 (VCV003866370.2).
Genomic context (GRCh38, chr1:183,240,383, plus strand): 5'-GAGCCAAGAACGCTGGGGTTACAATCCAAGACACACTCAACACATTAGACGGCCTCCTGC[A>G]TCTGATGGGTATGTGAACCCACAACCCACAACCTTCCAGCTCCATGCTCCAGGGCTTTGC-3'
Protein context (NP_005553.2, residues 1097-1117): DTLNTLDGLL[His1107Arg]LMDQPLSVDE